The following is an entry in ClinVar:

ClinVar aggregate classification (germline): Uncertain significance. Review status: criteria provided, multiple submitters, no conflicts (2 of 4 stars). 2 submissions from 2 submitters: Uncertain significance (2). Last evaluated 2025-10-22.

Conditions:
Inborn genetic diseases. Identifiers: MedGen C0950123, MeSH D030342.

Allele frequency attached by ClinVar (database versions not stated): gnomAD 0.00001 and 0.00002; gnomAD exomes 0.00001; ExAC 0.00004.
gnomAD v4.1: 17 of 1,580,792 alleles (0.0011%); highest among the groups gnomAD compares: Non-Finnish European, 0.0014%; no homozygotes.

Submissions (2):

Ambry Genetics
Classification: Uncertain significance for Inborn genetic diseases. Last evaluated: 2025-10-22. Review status: criteria provided, single submitter. Criteria: Ambry Variant Classification Scheme 2023. Collection method: clinical testing. Allele origin: germline.

Labcorp Genetics (formerly Invitae), Labcorp
Classification: Uncertain significance. Last evaluated: 2022-06-27. Review status: criteria provided, single submitter. Criteria: Invitae Variant Classification Sherloc (09022015). Collection method: clinical testing. Allele origin: germline.
Comment: This variant has not been reported in the literature in individuals affected with TRIOBP-related conditions. This variant is present in population databases (rs766424671, gnomAD 0.003%). This sequence change replaces aspartic acid, which is acidic and polar, with asparagine, which is neutral and polar, at codon 2017 of the TRIOBP protein (p.Asp2017Asn). Algorithms developed to predict the effect of missense changes on protein structure and function are either unavailable or do not agree on the potential impact of this missense change (SIFT: "Tolerated"; PolyPhen-2: "Probably Damaging"; Align-GVGD: "Class C0"). In summary, the available evidence is currently insufficient to determine the role of this variant in disease. Therefore, it has been classified as a Variant of Uncertain Significance.

NM_001039141.3(TRIOBP):c.6049G>A (p.Asp2017Asn)

Gene: TRIOBP (TRIO and F-actin binding protein; plus strand). Cytogenetic location: 22q13.1.
Variant type: single nucleotide variant.
Coding change: c.6049G>A on transcript NM_001039141.3 (MANE Select); coding-DNA position 6049, G replaced by A.
Protein change: p.Asp2017Asn; replaces aspartic acid 2017 with asparagine.
Molecular consequence: missense variant.
Genome position (GRCh38, 1-based): chr22:37,757,974, G>A. VCF-style: chr22-37757974-G-A. GRCh37 (hg19) VCF-style: chr22-38153981-G-A.
Other names: c.910G>A, p.Asp304Asn (NM_007032.5, NM_138632.2); c.6049G>A (NM_001039141.2); short protein forms D2017N, D304N.
Identifiers: ClinVar variation 1486393 (VCV001486393.7), dbSNP rs766424671, ClinGen allele CA10224867.